The following is an entry in ClinVar:

ClinVar aggregate classification (germline): Uncertain significance (1 of 4 stars; one submission).

Conditions:
Birt-Hogg-Dube syndrome. Also called: Birt Hogg Dubé syndrome. Identifiers: Orphanet 122, MedGen C0346010, MONDO:0800444.

Submission:

Labcorp Genetics (formerly Invitae), Labcorp
Classification: Uncertain significance for Birt-Hogg-Dube syndrome. Last evaluated: 2025-03-09. Review status: criteria provided, single submitter. Criteria: Invitae Variant Classification Sherloc (09022015). Collection method: clinical testing. Allele origin: germline.
Comment: This variant, c.862_864del, results in the deletion of 1 amino acid(s) of the FLCN protein (p.Lys288del), but otherwise preserves the integrity of the reading frame. This variant is not present in population databases (gnomAD no frequency). This variant has not been reported in the literature in individuals affected with FLCN-related conditions. Experimental studies and prediction algorithms are not available or were not evaluated, and the functional significance of this variant is currently unknown. In summary, the available evidence is currently insufficient to determine the role of this variant in disease. Therefore, it has been classified as a Variant of Uncertain Significance.

NM_144997.7(FLCN):c.862_864del (p.Lys288del)

Gene: FLCN (folliculin; minus strand). Cytogenetic location: 17p11.2.
Variant type: Deletion.
Coding change: c.862_864del on transcript NM_144997.7 (MANE Select); coding-DNA positions 862 to 864, 3 bases deleted (AAG; older notation c.862_864delAAG).
Protein change: p.Lys288del; deletes lysine 288.
Molecular consequence: inframe deletion.
Genome position (GRCh38, 1-based): chr17:17,221,544-17,221,546, CTT deleted on the plus strand (AAG on the coding strand, the reverse complement: FLCN is on the minus strand); deleting any 3 consecutive bases within chr17:17,221,544-17,221,548 gives the same sequence; the c. name uses the placement nearest the transcript's 3' end. VCF-style (leftmost placement, unchanged base first): chr17-17221543-GCTT-G. GRCh37 (hg19) VCF-style: chr17-17124857-GCTT-G.
Other names: c.916_918del, p.Lys306del (NM_001353229.2); c.862_864del, p.Lys288del (NM_001353230.2, NM_001353231.2, NM_144606.7); short protein forms K288del, K306del.
Identifiers: ClinVar variation 4714669 (VCV004714669.1).